The following is an entry in ClinVar:

ClinVar aggregate classification (germline): Uncertain significance (0 of 4 stars; one submission).

Conditions:
VPS13B-related disorder. Also called: VPS13B-related condition.

Submission:

PreventionGenetics, part of Exact Sciences
Classification: Uncertain significance for VPS13B-related condition. Last evaluated: 2024-02-07. Review status: no assertion criteria provided. Collection method: clinical testing. Allele origin: germline.
Comment: The VPS13B c.5560G>C variant is predicted to result in the amino acid substitution p.Glu1854Gln. To our knowledge, this variant has not been reported in the literature or in a large population database, indicating this variant is rare. At this time, the clinical significance of this variant is uncertain due to the absence of conclusive functional and genetic evidence.

NM_152564.5(VPS13B):c.5560G>C (p.Glu1854Gln)

Gene: VPS13B (vacuolar protein sorting 13 homolog B; plus strand). Cytogenetic location: 8q22.2.
Variant type: single nucleotide variant.
Coding change: c.5560G>C on transcript NM_152564.5 (MANE Select); coding-DNA position 5560, G replaced by C.
Protein change: p.Glu1854Gln; replaces glutamic acid 1854 with glutamine.
Molecular consequence: missense variant.
Genome position (GRCh38, 1-based): chr8:99,642,150, G>C. VCF-style: chr8-99642150-G-C. GRCh37 (hg19) VCF-style: chr8-100654378-G-C.
Other names: c.5635G>C, p.Glu1879Gln (NM_017890.5); short protein forms E1854Q, E1879Q.
Identifiers: ClinVar variation 3348945 (VCV003348945.1).